The following is an entry in ClinVar:

NM_001008212.2(OPTN):c.1327C>A (p.Gln443Lys)

Gene: OPTN (optineurin; plus strand). Cytogenetic location: 10p13.
Variant type: single nucleotide variant.
Coding change: c.1327C>A on transcript NM_001008212.2 (MANE Select); coding-DNA position 1327, C replaced by A.
Protein change: p.Gln443Lys; replaces glutamine 443 with lysine.
Molecular consequence: missense variant.
Genome position (GRCh38, 1-based): chr10:13,127,829, C>A. VCF-style: chr10-13127829-C-A. GRCh37 (hg19) VCF-style: chr10-13169829-C-A.
Other names: c.1327C>A, p.Gln443Lys (NM_001008211.1, NM_001008213.1, NM_021980.4); short protein forms Q443K.
Identifiers: ClinVar variation 1770033 (VCV001770033.2), dbSNP rs2539070908, ClinGen allele CA376029957.

ClinVar aggregate classification (germline): Uncertain significance (1 of 4 stars; one submission).

Conditions:
Inborn genetic diseases. Identifiers: MedGen C0950123, MeSH D030342.

gnomAD v4.1: 1 of 1,614,008 alleles (0.000062%); highest among the groups gnomAD compares: Non-Finnish European, 0.000085%; no homozygotes.

Submission:

Ambry Genetics
Classification: Uncertain significance for Inborn genetic diseases. Last evaluated: 2022-05-21. Review status: criteria provided, single submitter. Criteria: Ambry Variant Classification Scheme 2023. Collection method: clinical testing. Allele origin: germline.
Comment: The p.Q443K variant (also known as c.1327C>A), located in coding exon 10 of the OPTN gene, results from a C to A substitution at nucleotide position 1327. The glutamine at codon 443 is replaced by lysine, an amino acid with similar properties. This amino acid position is conserved. In addition, this alteration is predicted to be tolerated by in silico analysis. Since supporting evidence is limited at this time, the clinical significance of this alteration remains unclear.